The following is an entry in ClinVar:

NM_198576.4(AGRN):c.5146A>G (p.Arg1716Gly)

Genes: AGRN (agrin; plus strand), LOC129929078 (ATAC-STARR-seq lymphoblastoid silent region 24; plus strand). Cytogenetic location: 1p36.33.
Variant type: single nucleotide variant.
Coding change: c.5146A>G on transcript NM_198576.4 (MANE Select); coding-DNA position 5146, A replaced by G.
Protein change: p.Arg1716Gly; replaces arginine 1716 with glycine.
Molecular consequence: missense variant.
Genome position (GRCh38, 1-based): chr1:1,050,730, A>G. VCF-style: chr1-1050730-A-G. GRCh37 (hg19) VCF-style: chr1-986110-A-G.
Other names: c.5146A>G, p.Arg1716Gly (NM_001305275.2); c.4831A>G, p.Arg1611Gly (NM_001364727.2); short protein forms R1611G, R1716G.
Identifiers: ClinVar variation 1407486 (VCV001407486.5), dbSNP rs1022796152, ClinGen allele CA16701802.

ClinVar aggregate classification (germline): Uncertain significance (1 of 4 stars; one submission).

Conditions:
Congenital myasthenic syndrome 8. Also called: MYASTHENIC SYNDROME, CONGENITAL, DUE TO AGRIN DEFICIENCY; Myasthenic syndrome, congenital, 8, with pre- and postsynaptic defects. Identifiers: Orphanet 590, MedGen C3808739, MONDO:0014052, OMIM 615120.

Allele frequency attached by ClinVar (database versions not stated): gnomAD exomes below 0.00001; TOPMed below 0.00001.
gnomAD v4.1: 1 of 1,602,148 alleles (0.000062%); highest among the groups gnomAD compares: Admixed American, 0.0017%; no homozygotes.

Submission:

Labcorp Genetics (formerly Invitae), Labcorp
Classification: Uncertain significance for Congenital myasthenic syndrome 8. Last evaluated: 2022-05-17. Review status: criteria provided, single submitter. Criteria: Invitae Variant Classification Sherloc (09022015). Collection method: clinical testing. Allele origin: germline.
Comment: This sequence change replaces arginine, which is basic and polar, with glycine, which is neutral and non-polar, at codon 1716 of the AGRN protein (p.Arg1716Gly). The frequency data for this variant in the population databases is considered unreliable, as metrics indicate poor data quality at this position in the gnomAD database. This variant has not been reported in the literature in individuals affected with AGRN-related conditions. Algorithms developed to predict the effect of missense changes on protein structure and function are either unavailable or do not agree on the potential impact of this missense change (SIFT: "Deleterious"; PolyPhen-2: "Possibly Damaging"; Align-GVGD: "Class C0"). Algorithms developed to predict the effect of sequence changes on RNA splicing suggest that this variant may disrupt the consensus splice site. In summary, the available evidence is currently insufficient to determine the role of this variant in disease. Therefore, it has been classified as a Variant of Uncertain Significance.